The following is an entry in ClinVar:

ClinVar aggregate classification (germline): Likely benign. Review status: criteria provided, multiple submitters, no conflicts (2 of 4 stars). 3 submissions from 3 submitters: Likely benign (3). Last evaluated 2025-01-06.

Allele frequency attached by ClinVar (database versions not stated): ExAC 0.00016; ESP Exome Variant Server 0.00023; gnomAD 0.00013; 1000 Genomes Project 30x 0.00078; TOPMed 0.00012; gnomAD exomes 0.00014; 1000 Genomes Project 0.00060.
gnomAD v4.1: 216 of 1,614,126 alleles (0.013%); highest among the groups gnomAD compares: East Asian, 0.04%; no homozygotes.

Submissions (3):

Labcorp Genetics (formerly Invitae), Labcorp
Classification: Likely benign. Last evaluated: 2025-01-06. Review status: criteria provided, single submitter. Criteria: Invitae Variant Classification Sherloc (09022015). Collection method: clinical testing. Allele origin: germline.

Blueprint Genetics
Classification: Likely benign. Last evaluated: 2024-10-09. Review status: criteria provided, single submitter. Criteria: ACMG Guidelines, 2015. Collection method: clinical testing. Allele origin: germline.

CeGaT Center for Human Genetics Tuebingen
Classification: Likely benign. Last evaluated: 2024-04-01. Review status: criteria provided, single submitter. Criteria: CeGaT Center For Human Genetics Tuebingen Variant Classification Criteria Version 2. Collection method: clinical testing. Allele origin: germline. Affected: yes. Observed: 1 variant allele.
Comment: FAM20A: BP4, BP7

NM_017565.4(FAM20A):c.975G>A (p.Thr325=)

Genes: FAM20A (FAM20A golgi associated secretory pathway pseudokinase; minus strand), PRKAR1A (protein kinase cAMP-dependent type I regulatory subunit alpha; plus strand). Cytogenetic location: 17q24.2.
Variant type: single nucleotide variant.
Coding change: c.975G>A on transcript NM_017565.4 (MANE Select); coding-DNA position 975, G replaced by A.
Protein change: p.Thr325=; no amino-acid change (threonine 325 retained).
Molecular consequence: synonymous variant. On other transcripts: non-coding transcript variant (1), intron variant (1).
Genome position (GRCh38, 1-based): chr17:68,542,119, C>T on the plus strand (G>A on the coding strand, the complement: FAM20A is on the minus strand). VCF-style: chr17-68542119-C-T. GRCh37 (hg19) VCF-style: chr17-66538260-C-T.
Other names: c.561G>A, p.Thr187= (NM_001243746.2); c.974-8965C>T (NM_001276290.1).
Identifiers: ClinVar variation 2075272 (VCV002075272.23), dbSNP rs150508189, ClinGen allele CA8729846.